The following is an entry in ClinVar:

ClinVar aggregate classification (germline): Uncertain significance (1 of 4 stars; one submission).

Conditions:
Hypertrophic cardiomyopathy. Also called: HYPERTROPHIC MYOCARDIOPATHY. Identifiers: Orphanet 217569, MedGen C0007194, MeSH D002312, MONDO:0005045, HP:0001639.

Submission:

Labcorp Genetics (formerly Invitae), Labcorp
Classification: Uncertain significance for Hypertrophic cardiomyopathy. Last evaluated: 2025-12-13. Review status: criteria provided, single submitter. Criteria: Invitae Variant Classification Sherloc (09022015). Collection method: clinical testing. Allele origin: germline.
Comment: This sequence change replaces glutamic acid, which is acidic and polar, with alanine, which is neutral and non-polar, at codon 168 of the MYL3 protein (p.Glu168Ala). This variant is not present in population databases (gnomAD no frequency). This variant has not been reported in the literature in individuals affected with MYL3-related conditions. ClinVar contains an entry for this variant (Variation ID: 2107027). An algorithm developed to predict the effect of missense changes on protein structure and function (PolyPhen-2) suggests that this variant is likely to be disruptive. In summary, the available evidence is currently insufficient to determine the role of this variant in disease. Therefore, it has been classified as a Variant of Uncertain Significance.

NM_000258.3(MYL3):c.503A>C (p.Glu168Ala)

Gene: MYL3 (myosin light chain 3; minus strand). Cytogenetic location: 3p21.31.
Variant type: single nucleotide variant.
Coding change: c.503A>C on transcript NM_000258.3 (MANE Select); coding-DNA position 503, A replaced by C.
Protein change: p.Glu168Ala; replaces glutamic acid 168 with alanine.
Molecular consequence: missense variant.
Genome position (GRCh38, 1-based): chr3:46,858,440, T>G on the plus strand (A>C on the coding strand, the complement: MYL3 is on the minus strand). VCF-style: chr3-46858440-T-G. GRCh37 (hg19) VCF-style: chr3-46899930-T-G.
Other names: c.503A>C, p.Glu168Ala (NM_001406937.1, NM_001406938.1, NM_001406939.1); c.329A>C, p.Glu110Ala (NM_001406940.1); c.314A>C, p.Glu105Ala (NM_001406941.1); short protein forms E110A, E168A, E105A.
Identifiers: ClinVar variation 2107027 (VCV002107027.4), dbSNP rs2544963115, ClinGen allele CA352495551.